The following is an entry in ClinVar:

NM_206933.4(USH2A):c.2149T>G (p.Cys717Gly)

Gene: USH2A (usherin; minus strand). Cytogenetic location: 1q41.
Variant type: single nucleotide variant.
Coding change: c.2149T>G on transcript NM_206933.4 (MANE Select); coding-DNA position 2149, T replaced by G.
Protein change: p.Cys717Gly; replaces cysteine 717 with glycine.
Molecular consequence: missense variant.
Genome position (GRCh38, 1-based): chr1:216,250,921, A>C on the plus strand (T>G on the coding strand, the complement: USH2A is on the minus strand). VCF-style: chr1-216250921-A-C. GRCh37 (hg19) VCF-style: chr1-216424263-A-C.
Other names: c.2149T>G (NM_206933.2); c.2149T>G, p.Cys717Gly (NM_007123.6); short protein forms C717G.
Identifiers: ClinVar variation 2202975 (VCV002202975.7), dbSNP rs1304016981, ClinGen allele CA344866071.
Genomic context (GRCh38, chr1:216,250,921, plus strand): 5'-TGGTAATAGAGATGTGACTGTAAACTTTTGCGTTACACGTACCAATAACGTTTGCTTTGC[A>C]CTTGCACTGGCCTGAATTTTGGTGACAGGTAATATCTCCATCCACTGTCCCAGAGGTATT-3'
Protein context (NP_996816.3, residues 707-727): TCHQNSGQCK[Cys717Gly]KANVIGLRCD

ClinVar aggregate classification (germline): Pathogenic/Likely pathogenic. Review status: criteria provided, multiple submitters, no conflicts (2 of 4 stars). 4 submissions from 4 submitters: Pathogenic (2); Likely pathogenic (2). Last evaluated 2025-08-09.

Conditions:
Usher syndrome. Also called: Usher Syndromes; Usher's syndrome. Identifiers: Orphanet 886, MedGen CN469326, MeSH D052245, MONDO:0019501. Disease mechanism: loss of function.
Usher syndrome type 2A. Also called: USHER SYNDROME, TYPE IIA; RETINAL DISEASE IN USHER SYNDROME TYPE IIA, MODIFIER OF. Identifiers: Orphanet 231178, Orphanet 886, MedGen C1848634, MONDO:0010169, OMIM 276901.
Retinitis pigmentosa 39 (RP39). Identifiers: Orphanet 791, MedGen C3151138, MONDO:0013436, OMIM 613809.

Allele frequency attached by ClinVar (database versions not stated): TOPMed below 0.00001; gnomAD 0.00001; gnomAD exomes 0.00001.
gnomAD v4.1: 4 of 1,613,874 alleles (0.00025%); no homozygotes.

Submissions (4):

Natera, Inc.
Classification: Likely pathogenic for Usher syndrome type 2A. Last evaluated: 2025-08-09. Review status: criteria provided, single submitter. Criteria: Natera Variant Classification Schema (03/2026). Collection method: clinical testing. Allele origin: germline.
Comment: The c.2149T>G variant in USH2A is a missense variant predicted to cause substitution of cysteine to glycine at amino acid 717. This variant is rare in the general population with a frequency below the threshold expected for the associated phenotype(s). This variant has been observed in one or more individuals affected with the associated recessive disease, as either homozygous or compound heterozygous with a second variant (PMID: 24944099, 26654877). Computational prediction algorithms indicate this variant is likely to affect gene or protein function. Given the available evidence, this variant is classified as Likely Pathogenic.

Fulgent Genetics
Classification: Likely pathogenic for Usher syndrome type 2A; Retinitis pigmentosa 39. Last evaluated: 2024-04-01. Review status: criteria provided, single submitter. Criteria: ACMG Guidelines, 2015. Collection method: clinical testing. Allele origin: germline.

Women's Health and Genetics/Laboratory Corporation of America, LabCorp
Classification: Pathogenic for Usher syndrome. Last evaluated: 2024-04-01. Review status: criteria provided, single submitter. Criteria: LabCorp Variant Classification Summary - May 2015. Collection method: clinical testing. Allele origin: germline.
Comment: Variant summary: USH2A c.2149T>G (p.Cys717Gly) results in a non-conservative amino acid change located in the Laminin-type EGF domain (IPR002049) of the encoded protein sequence. Five of five in-silico tools predict a damaging effect of the variant on protein function. The variant allele was found at a frequency of 4e-06 in 250934 control chromosomes (gnomAD). c.2149T>G has been reported in the literature in multiple individuals affected with Usher Syndrome (e.g. Baux_2014, Besnard_2014, Bonnet_2016, Liquori_2016, Mansard_2021). These data indicate that the variant is very likely to be associated with disease. The following publications have been ascertained in the context of this evaluation (PMID: 24944099, 24498627, 27460420, 26654877, 26629787, 34948090). ClinVar contains an entry for this variant (Variation ID: 2202975). Based on the evidence outlined above, the variant was classified as pathogenic.

Labcorp Genetics (formerly Invitae), Labcorp
Classification: Pathogenic. Last evaluated: 2022-12-31. Review status: criteria provided, single submitter. Criteria: Invitae Variant Classification Sherloc (09022015). Collection method: clinical testing. Allele origin: germline.
Comment: For these reasons, this variant has been classified as Pathogenic. This variant disrupts the p.Cys717 amino acid residue in USH2A. Other variant(s) that disrupt this residue have been determined to be pathogenic (Invitae). This suggests that this residue is clinically significant, and that variants that disrupt this residue are likely to be disease-causing. Advanced modeling of protein sequence and biophysical properties (such as structural, functional, and spatial information, amino acid conservation, physicochemical variation, residue mobility, and thermodynamic stability) performed at Invitae indicates that this missense variant is expected to disrupt USH2A protein function. This missense change has been observed in individual(s) with Usher syndrome (PMID: 26629787, 26654877). This variant is present in population databases (no rsID available, gnomAD 0.0009%). This sequence change replaces cysteine, which is neutral and slightly polar, with glycine, which is neutral and non-polar, at codon 717 of the USH2A protein (p.Cys717Gly).

Literature cited by the submitters: PubMed 24944099 (cited by Natera, Inc. and Women's Health and Genetics/Laboratory Corporation of America, LabCorp); PubMed 26654877 (cited by 3 submitters); PubMed 27460420 (cited by Women's Health and Genetics/Laboratory Corporation of America, LabCorp); PubMed 24498627 (cited by Women's Health and Genetics/Laboratory Corporation of America, LabCorp); PubMed 34948090 (cited by Women's Health and Genetics/Laboratory Corporation of America, LabCorp); PubMed 26629787 (cited by Women's Health and Genetics/Laboratory Corporation of America, LabCorp and Labcorp Genetics (formerly Invitae), Labcorp).